The following is an entry in ClinVar:

ClinVar aggregate classification (germline): Uncertain significance (1 of 4 stars; one submission).

Conditions:
Hereditary cancer-predisposing syndrome. Also called: Neoplastic Syndromes, Hereditary; Tumor predisposition; Hereditary Cancer Syndrome; Hereditary neoplastic syndrome. Identifiers: Orphanet 140162, MedGen C0027672, MeSH D009386, MONDO:0015356.

Submission:

Ambry Genetics
Classification: Uncertain significance for Hereditary cancer-predisposing syndrome. Last evaluated: 2023-07-13. Review status: criteria provided, single submitter. Criteria: Ambry Variant Classification Scheme 2023. Collection method: clinical testing. Allele origin: germline.
Comment: The p.A267T variant (also known as c.799G>A), located in coding exon 6 of the CHEK2 gene, results from a G to A substitution at nucleotide position 799. The alanine at codon 267 is replaced by threonine, an amino acid with similar properties. This amino acid position is highly conserved in available vertebrate species. In addition, the in silico prediction for this alteration is inconclusive. Since supporting evidence is limited at this time, the clinical significance of this alteration remains unclear.

NM_007194.4(CHEK2):c.799G>A (p.Ala267Thr)

Gene: CHEK2 (checkpoint kinase 2; minus strand). Cytogenetic location: 22q12.1.
Variant type: single nucleotide variant.
Coding change: c.799G>A on transcript NM_007194.4 (MANE Select); coding-DNA position 799, G replaced by A.
Protein change: p.Ala267Thr; replaces alanine 267 with threonine.
Molecular consequence: missense variant.
Genome position (GRCh38, 1-based): chr22:28,710,053, C>T on the plus strand (G>A on the coding strand, the complement: CHEK2 is on the minus strand). VCF-style: chr22-28710053-C-T. GRCh37 (hg19) VCF-style: chr22-29106041-C-T.
Other names: c.928G>A, p.Ala310Thr (NM_001005735.3); c.136G>A, p.Ala46Thr (NM_001257387.3); c.598G>A, p.Ala200Thr (NM_001349956.3); c.799G>A, p.Ala267Thr (NM_145862.3); short protein forms A267T, A200T, A310T, A46T.
Identifiers: ClinVar variation 483393 (VCV000483393.6), dbSNP rs1555920244, ClinGen allele CA411102497.